The following is an entry in ClinVar:

ClinVar aggregate classification (germline): Uncertain significance (1 of 4 stars; one submission).

Allele frequency attached by ClinVar (database versions not stated): TOPMed below 0.00001.
gnomAD v4.1: 1 of 1,614,166 alleles (0.000062%); highest among the groups gnomAD compares: Non-Finnish European, 0.000085%; no homozygotes.

Submission:

Labcorp Genetics (formerly Invitae), Labcorp
Classification: Uncertain significance. Last evaluated: 2025-04-08. Review status: criteria provided, single submitter. Criteria: Invitae Variant Classification Sherloc (09022015). Collection method: clinical testing. Allele origin: germline.
Comment: This sequence change replaces arginine, which is basic and polar, with lysine, which is basic and polar, at codon 342 of the NCSTN protein (p.Arg342Lys). This variant is not present in population databases (gnomAD no frequency). This variant has not been reported in the literature in individuals affected with NCSTN-related conditions. ClinVar contains an entry for this variant (Variation ID: 1508057). Invitae Evidence Modeling of protein sequence and biophysical properties (such as structural, functional, and spatial information, amino acid conservation, physicochemical variation, residue mobility, and thermodynamic stability) indicates that this missense variant is not expected to disrupt NCSTN protein function with a negative predictive value of 80%. In summary, the available evidence is currently insufficient to determine the role of this variant in disease. Therefore, it has been classified as a Variant of Uncertain Significance.

NM_015331.3(NCSTN):c.1025G>A (p.Arg342Lys)

Gene: NCSTN (nicastrin; plus strand). Cytogenetic location: 1q23.2.
Variant type: single nucleotide variant.
Coding change: c.1025G>A on transcript NM_015331.3 (MANE Select); coding-DNA position 1025, G replaced by A.
Protein change: p.Arg342Lys; replaces arginine 342 with lysine.
Molecular consequence: missense variant.
Genome position (GRCh38, 1-based): chr1:160,352,915, G>A. VCF-style: chr1-160352915-G-A. GRCh37 (hg19) VCF-style: chr1-160322705-G-A.
Other names: c.965G>A, p.Arg322Lys (NM_001290184.2); c.611G>A, p.Arg204Lys (NM_001290186.2); c.1025G>A, p.Arg342Lys (NM_001349729.2); short protein forms R204K, R342K, R322K.
Identifiers: ClinVar variation 1508057 (VCV001508057.8), dbSNP rs1648939890, ClinGen allele CA343280665.
Genomic context (GRCh38, chr1:160,352,915, plus strand): 5'-TGTTCCCCCTCCCACCTACCTCCATCTCTCAGGAAACTTTTGACTACATTGGCAGCTCGA[G>A]GATGGTCTACGATATGGAGAAGGGCAAGTTTCCCGTGCAGTTAGAGAATGTTGACTCATT-3'
Protein context (NP_056146.1, residues 332-352): GETFDYIGSS[Arg342Lys]MVYDMEKGKF